The following is an entry in ClinVar:

NM_058195.4(CDKN2A):c.145C>T (p.Leu49=)

Gene: CDKN2A (cyclin dependent kinase inhibitor 2A; minus strand). Cytogenetic location: 9p21.3.
Variant type: single nucleotide variant.
Coding change: c.145C>T on transcript NM_058195.4 (MANE Plus Clinical); coding-DNA position 145, C replaced by T.
Protein change: p.Leu49=; no amino-acid change (leucine 49 retained).
Molecular consequence: synonymous variant. On other transcripts: intron variant (1).
Genome position (GRCh38, 1-based): chr9:21,994,187, G>A on the plus strand (C>T on the coding strand, the complement: CDKN2A is on the minus strand). VCF-style: chr9-21994187-G-A. GRCh37 (hg19) VCF-style: chr9-21994186-G-A.
Other names: c.-4+634C>T (NM_001363763.2).
Identifiers: ClinVar variation 532303 (VCV000532303.8), dbSNP rs1554659187, ClinGen allele CA464100283.

ClinVar aggregate classification (germline): Benign/Likely benign. Review status: criteria provided, multiple submitters, no conflicts (2 of 4 stars). 3 submissions from 3 submitters: Benign (1); Likely benign (2). Last evaluated 2025-08-12.

Conditions:
Hereditary cancer-predisposing syndrome. Also called: Hereditary Cancer Syndrome; Neoplastic Syndromes, Hereditary; Tumor predisposition; Hereditary neoplastic syndrome. Identifiers: Orphanet 140162, MedGen C0027672, MeSH D009386, MONDO:0015356.
Familial melanoma. Also called: Hereditary melanoma; Hereditary cutaneous melanoma. Identifiers: Orphanet 618, MedGen C1512419, MONDO:0018961.
Melanoma-pancreatic cancer syndrome. Identifiers: Orphanet 404560, MedGen C1838547, MONDO:0011713, OMIM 606719. Disease mechanism: loss of function.

Allele frequency attached by ClinVar (database versions not stated): gnomAD exomes below 0.00001.
gnomAD v4.1: 4 of 1,605,852 alleles (0.00025%); highest among the groups gnomAD compares: Non-Finnish European, 0.00034%; no homozygotes.

Submissions (3):

Myriad Genetics, Inc.
Classification: Benign for Melanoma-pancreatic cancer syndrome. Last evaluated: 2025-08-12. Review status: criteria provided, single submitter. Criteria: Myriad Autosomal Dominant, Autosomal Recessive and X-Linked Classification Criteria (2023). Collection method: clinical testing. Allele origin: unknown.
Comment: This variant is considered benign. This variant is a silent/synonymous amino acid change and it is not expected to impact splicing.

Ambry Genetics
Classification: Likely benign for Hereditary cancer-predisposing syndrome. Last evaluated: 2022-01-10. Review status: criteria provided, single submitter. Criteria: Ambry Variant Classification Scheme 2023. Collection method: clinical testing. Allele origin: germline.

Labcorp Genetics (formerly Invitae), Labcorp
Classification: Likely benign for Familial melanoma. Last evaluated: 2018-08-22. Review status: criteria provided, single submitter. Criteria: Invitae Variant Classification Sherloc (09022015). Collection method: clinical testing. Allele origin: germline.